The following is an entry in ClinVar:

NM_001042492.3(NF1):c.7552G>A (p.Ala2518Thr)

Gene: NF1 (neurofibromin 1; plus strand). Cytogenetic location: 17q11.2.
Variant type: single nucleotide variant.
Coding change: c.7552G>A on transcript NM_001042492.3 (MANE Select); coding-DNA position 7552, G replaced by A.
Protein change: p.Ala2518Thr; replaces alanine 2518 with threonine.
Molecular consequence: missense variant.
Genome position (GRCh38, 1-based): chr17:31,352,351, G>A. VCF-style: chr17-31352351-G-A. GRCh37 (hg19) VCF-style: chr17-29679369-G-A.
Other names: c.7489G>A, p.Ala2497Thr (NM_000267.4); short protein forms A2497T, A2518T.
Identifiers: ClinVar variation 572767 (VCV000572767.17), dbSNP rs1567625163, ClinGen allele CA399017667.

ClinVar aggregate classification (germline): Conflicting classifications of pathogenicity. Review status: criteria provided, conflicting classifications (1 of 4 stars). 6 submissions from 6 submitters: Uncertain significance (5); Likely benign (1). Last evaluated 2025-12-10.

Conditions:
Hereditary cancer-predisposing syndrome. Also called: Neoplastic Syndromes, Hereditary; Hereditary Cancer Syndrome; Hereditary neoplastic syndrome; Tumor predisposition. Identifiers: Orphanet 140162, MedGen C0027672, MeSH D009386, MONDO:0015356.
Cardiovascular phenotype. Identifiers: MedGen CN230736.
Neurofibromatosis, type 1 (NF1). Also called: Peripheral type neurofibromatosis; Neurofibromatosis, type I; VON RECKLINGHAUSEN DISEASE; NEUROFIBROMATOSIS, TYPE I, SOMATIC. Identifiers: Orphanet 636, MedGen C0027831, MONDO:0018975, OMIM 162200. Disease mechanism: loss of function.

Allele frequency attached by ClinVar (database versions not stated): gnomAD exomes below 0.00001; TOPMed below 0.00001; gnomAD 0.00001.
gnomAD v4.1: 1 of 1,614,096 alleles (0.000062%); highest among the groups gnomAD compares: African/African-American, 0.0013%; no homozygotes.

Submissions (6):

Greenwood Genetic Center Diagnostic Laboratories, Greenwood Genetic Center
Classification: Uncertain significance. Last evaluated: 2025-12-10. Review status: criteria provided, single submitter. Criteria: ACMG Guidelines, 2015. Collection method: clinical testing. Allele origin: germline. Affected: yes.
Comment: PM2, BP4, PP2

Dasa
Classification: Uncertain significance. Last evaluated: 2025-12-08. Review status: criteria provided, single submitter. Criteria: DASA Assertion Criteria. Collection method: clinical testing. Allele origin: germline.
Comment: NM_001042492.3(NF1):c.7552G>A (p.Ala2518Thr) is a missense variant that results in the substitution of alanine with threonine. This variant is rare in population databases. The currently available literature and clinical evidence are not sufficient to establish a definitive association between this variant and the reported condition. Therefore, this variant is classified as a variant of uncertain significance.

Labcorp Genetics (formerly Invitae), Labcorp
Classification: Uncertain significance for Neurofibromatosis, type 1. Last evaluated: 2025-02-12. Review status: criteria provided, single submitter. Criteria: Invitae Variant Classification Sherloc (09022015). Collection method: clinical testing. Allele origin: germline.
Comment: This sequence change replaces alanine, which is neutral and non-polar, with threonine, which is neutral and polar, at codon 2497 of the NF1 protein (p.Ala2497Thr). This variant is not present in population databases (gnomAD no frequency). This variant has not been reported in the literature in individuals affected with NF1-related conditions. ClinVar contains an entry for this variant (Variation ID: 572767). Invitae Evidence Modeling of protein sequence and biophysical properties (such as structural, functional, and spatial information, amino acid conservation, physicochemical variation, residue mobility, and thermodynamic stability) indicates that this missense variant is not expected to disrupt NF1 protein function with a negative predictive value of 95%. In summary, the available evidence is currently insufficient to determine the role of this variant in disease. Therefore, it has been classified as a Variant of Uncertain Significance.

GeneDx
Classification: Uncertain significance. Last evaluated: 2024-06-25. Review status: criteria provided, single submitter. Criteria: GeneDx Variant Classification Process June 2021. Collection method: clinical testing. Allele origin: germline. Affected: yes.
Comment: Not observed at significant frequency in large population cohorts (gnomAD); In silico analysis indicates that this missense variant does not alter protein structure/function; Has not been previously published as pathogenic or benign to our knowledge; This variant is associated with the following publications: (PMID: 25486365)

Ambry Genetics
Classification: Likely benign for Cardiovascular phenotype; Hereditary cancer-predisposing syndrome. Last evaluated: 2023-12-14. Review status: criteria provided, single submitter. Criteria: Ambry Variant Classification Scheme 2023. Collection method: clinical testing. Allele origin: germline.

Genome-Nilou Lab
Classification: Uncertain significance for Neurofibromatosis, type 1. Last evaluated: 2022-03-15. Review status: criteria provided, single submitter. Criteria: ACMG Guidelines, 2015. Collection method: clinical testing. Allele origin: germline. Affected: no.